The following is an entry in ClinVar:

ClinVar aggregate classification (germline): Likely benign (1 of 4 stars; one submission).

gnomAD v4.1: 85 of 1,613,658 alleles (0.0053%); highest among the groups gnomAD compares: Admixed American, 0.14%; no homozygotes.

Submission:

CeGaT Center for Human Genetics Tuebingen
Classification: Likely benign. Last evaluated: 2026-04-01. Review status: criteria provided, single submitter. Criteria: CeGaT Center For Human Genetics Tuebingen Variant Classification Criteria Version 2. Collection method: clinical testing. Allele origin: germline. Affected: yes. Observed: 2 variant alleles.
Comment: NBEA: BP4, BP7, BS1

NM_001385012.1(NBEA):c.8331G>T (p.Arg2777=)

Gene: NBEA (neurobeachin; plus strand). Cytogenetic location: 13q13.3.
Variant type: single nucleotide variant.
Coding change: c.8331G>T on transcript NM_001385012.1 (MANE Select); coding-DNA position 8331, G replaced by T.
Protein change: p.Arg2777=; no amino-acid change (arginine 2777 retained).
Molecular consequence: synonymous variant.
Genome position (GRCh38, 1-based): chr13:35,655,718, G>T. VCF-style: chr13-35655718-G-T. GRCh37 (hg19) VCF-style: chr13-36229855-G-T.
Other names: c.1647G>T, p.Arg549= (NM_001204197.3); c.8322G>T, p.Arg2774= (NM_001379245.1); c.8268G>T, p.Arg2756= (NM_015678.5).
Identifiers: ClinVar variation 4681545 (VCV004681545.5).
Genomic context (GRCh38, chr13:35,655,718, plus strand): 5'-CTGCTACATCGTGTCCGGATCTCGAGATGCCACCCTGCTGCTCTGGTACTGGAGTGGGCG[G>T]CACCATATCATAGGAGACAACCCTAACAGCAGTGAGTGTTTGTATCAAATTTGTCCTATC-3'
Protein context (NP_001371941.1, residues 2767-2787): ATLLLWYWSG[Arg2777=]HHIIGDNPNS